The following is an entry in ClinVar:

NM_001035.3(RYR2):c.12020C>T (p.Ser4007Phe)

Gene: RYR2 (ryanodine receptor 2; plus strand). Cytogenetic location: 1q43.
Variant type: single nucleotide variant.
Coding change: c.12020C>T on transcript NM_001035.3 (MANE Select); coding-DNA position 12020, C replaced by T.
Protein change: p.Ser4007Phe; replaces serine 4007 with phenylalanine.
Molecular consequence: missense variant.
Genome position (GRCh38, 1-based): chr1:237,783,732, C>T. VCF-style: chr1-237783732-C-T. GRCh37 (hg19) VCF-style: chr1-237947032-C-T.
Other names: short protein forms S4007F.
Identifiers: ClinVar variation 5028666 (VCV005028666.1).

ClinVar aggregate classification (germline): Uncertain significance (1 of 4 stars; one submission).

Conditions:
Cardiovascular phenotype. Identifiers: MedGen CN230736.

Submission:

Ambry Genetics
Classification: Uncertain significance for Cardiovascular phenotype. Last evaluated: 2026-06-22. Review status: criteria provided, single submitter. Criteria: Ambry Variant Classification Scheme 2023. Collection method: clinical testing. Allele origin: germline.
Comment: The p.S4007F variant (also known as c.12020C>T), located in coding exon 90 of the RYR2 gene, results from a C to T substitution at nucleotide position 12020. The serine at codon 4007 is replaced by phenylalanine, an amino acid with highly dissimilar properties. This amino acid position is conserved. In addition, this alteration is predicted to be deleterious by in silico analysis. Based on the available evidence, the clinical significance of this variant remains unclear.